The following is an entry in ClinVar:

NM_002432.3(MNDA):c.1134C>A (p.Asp378Glu)

Gene: MNDA (myeloid cell nuclear differentiation antigen; plus strand). Cytogenetic location: 1q23.1.
Variant type: single nucleotide variant.
Coding change: c.1134C>A on transcript NM_002432.3 (MANE Select); coding-DNA position 1134, C replaced by A.
Protein change: p.Asp378Glu; replaces aspartic acid 378 with glutamic acid.
Molecular consequence: missense variant.
Genome position (GRCh38, 1-based): chr1:158,847,874, C>A. VCF-style: chr1-158847874-C-A. GRCh37 (hg19) VCF-style: chr1-158817664-C-A.
Other names: short protein forms D378E.
Identifiers: ClinVar variation 2621633 (VCV002621633.2), dbSNP rs2526092825, ClinGen allele CA343044792.

ClinVar aggregate classification (germline): Uncertain significance (1 of 4 stars; one submission).

gnomAD v4.1: 1 of 1,613,910 alleles (0.000062%); highest among the groups gnomAD compares: South Asian, 0.0011%; no homozygotes.

Submission:

Ambry Genetics
Classification: Uncertain significance. Last evaluated: 2023-08-30. Review status: criteria provided, single submitter. Criteria: Ambry Variant Classification Scheme 2023. Collection method: clinical testing. Allele origin: germline.
Comment: The p.D378E variant (also known as c.1134C>A), located in coding exon 5 of the MNDA gene, results from a C to A substitution at nucleotide position 1134. The aspartic acid at codon 378 is replaced by glutamic acid, an amino acid with highly similar properties. This amino acid position is conserved. In addition, this alteration is predicted to be tolerated by in silico analysis. Since supporting evidence is limited at this time, the clinical significance of this alteration remains unclear.